The following is an entry in ClinVar:

NM_006922.4(SCN3A):c.4811T>C (p.Met1604Thr)

Gene: SCN3A (sodium voltage-gated channel alpha subunit 3; minus strand). Cytogenetic location: 2q24.3.
Variant type: single nucleotide variant.
Coding change: c.4811T>C on transcript NM_006922.4 (MANE Select); coding-DNA position 4811, T replaced by C.
Protein change: p.Met1604Thr; replaces methionine 1604 with threonine.
Molecular consequence: missense variant.
Genome position (GRCh38, 1-based): chr2:165,091,342, A>G on the plus strand (T>C on the coding strand, the complement: SCN3A is on the minus strand). VCF-style: chr2-165091342-A-G. GRCh37 (hg19) VCF-style: chr2-165947852-A-G.
Other names: c.4664T>C, p.Met1555Thr (NM_001081676.2, NM_001081677.2); short protein forms M1555T, M1604T.
Identifiers: ClinVar variation 1699048 (VCV001699048.3), dbSNP rs1685095084, ClinGen allele CA349018551.

ClinVar aggregate classification (germline): Uncertain significance (1 of 4 stars; one submission).

Conditions:
Developmental and epileptic encephalopathy, 62. Also called: Early infantile epileptic encephalopathy 62. Identifiers: MedGen C4693699, MONDO:0033371, OMIM 617938.

Allele frequency attached by ClinVar (database versions not stated): gnomAD exomes below 0.00001; TOPMed below 0.00001.

Submission:

Victorian Clinical Genetics Services, Murdoch Childrens Research Institute
Classification: Uncertain significance for Developmental and epileptic encephalopathy, 62. Last evaluated: 2023-07-17. Review status: criteria provided, single submitter. Criteria: ACMG Guidelines, 2015. Collection method: clinical testing. Allele origin: germline. Inheritance: Autosomal dominant inheritance. Affected: yes.
Comment: Based on the classification scheme VCGS_Germline_v1.3.4, this variant is classified as VUS-3C. Following criteria are met: 0103 - Both loss- and gain-of-function are known mechanisms of disease for this gene. Loss of function variants are associated with epilepsy, familial focal, with variable foci 4 (MIM#617935) whilst gain of function variants are associated with developmental and epileptic encephalopathy 62 (MIM#617938; PMID: 29466837, 28235671). (I) 0107 - This gene is associated with autosomal dominant disease. (I) 0200 - Variant is predicted to result in a missense amino acid change from methionine to threonine. (I) 0251 - This variant is heterozygous. (I) 0301 - Variant is absent from gnomAD (both v2 and v3). (SP) 0309 - An alternative amino acid change at the same position has been observed in gnomAD (v3) (1 heterozygote, 0 homozygotes). (I) 0502 - Missense variant with conflicting in silico predictions and high conservation. (I) 0600 - Variant is located in the annotated ion transport protein domain (NCBI). (I) 0705 - No comparable missense variants have previous evidence for pathogenicity. (I) 0807 - This variant has no previous evidence of pathogenicity. (I) 0904 - Non-segregation of this variant with the phenotype under investigation has been clearly demonstrated. (SB) 1007 - No published functional evidence has been identified for this variant. (I) Legend: (SP) - Supporting pathogenic, (I) - Information, (SB) - Supporting benign

Literature cited by the submitters: PubMed 28235671; PubMed 29466837.